The following is an entry in ClinVar:

NM_078480.3(PUF60):c.74_76dup (p.Ala25_Val26insAla)

Gene: PUF60 (poly(U) binding splicing factor 60; minus strand). Cytogenetic location: 8q24.3.
Variant type: Duplication.
Coding change: c.74_76dup on transcript NM_078480.3 (MANE Select); coding-DNA positions 74 to 76, 3 bases duplicated (CAG; older notation c.74_76dupCAG).
Protein change: p.Ala25_Val26insAla.
Molecular consequence: 5 prime UTR variant (on NM_001136033.3). On other transcripts: intron variant (2).
Genome position (GRCh38, 1-based): chr8:143,824,348-143,824,350, CTG duplicated on the plus strand (CAG on the coding strand, the reverse complement: PUF60 is on the minus strand); duplicating any 3 consecutive bases within chr8:143,824,348-143,824,351 gives the same sequence; the c. name uses the placement nearest the transcript's 3' end. VCF-style (leftmost placement, unchanged base first): chr8-143824347-A-ACTG. GRCh37 (hg19) VCF-style: chr8-144906517-A-ACTG.
Other names: c.-56_-54dup (NM_001136033.3, NM_001271100.2); c.71_73dup, p.Ala24_Val25insAla (NM_001271096.2, NM_001271098.2); c.185_187dup, p.Ala62_Val63insAla (NM_001362895.2, NM_001362896.2, NM_001362897.2); c.74_76dup, p.Ala25_Val26insAla (NM_014281.5); c.25-2437_25-2435dup (NM_001271097.2, NM_001271099.2).
Identifiers: ClinVar variation 4075122 (VCV004075122.8).

ClinVar aggregate classification (germline): Benign/Likely benign. Review status: criteria provided, multiple submitters, no conflicts (2 of 4 stars). 3 submissions from 3 submitters: Benign (2); Likely benign (1). Last evaluated 2025-11-01.

Conditions:
Intellectual disability. Also called: intellectual disabilities; Intellectual developmental disorder; Intellectual functioning disability. Identifiers: MedGen C3714756, MeSH D008607, MONDO:0001071, HP:0001249.

Submissions (3):

CeGaT Center for Human Genetics Tuebingen
Classification: Benign. Last evaluated: 2025-11-01. Review status: criteria provided, single submitter. Criteria: CeGaT Center For Human Genetics Tuebingen Variant Classification Criteria Version 2. Collection method: clinical testing. Allele origin: germline. Affected: yes. Observed: 1 variant allele.
Comment: PUF60: BS1, BS2

Blueprint Genetics
Classification: Likely benign. Last evaluated: 2024-06-25. Review status: criteria provided, single submitter. Criteria: ACMG Guidelines, 2015. Collection method: clinical testing. Allele origin: germline.

Cambridge Genomics Laboratory, East Genomic Laboratory Hub, NHS Genomic Medicine Service
Classification: Benign for Intellectual disability. Last evaluated: 2020-05-14. Review status: criteria provided, single submitter. Criteria: ACGS Best Practice Guidelines for Variant Classification in Rare Disease 2020. Collection method: clinical testing. Allele origin: germline. Affected: yes. Observed: 1 variant allele.